The following is an entry in ClinVar:

ClinVar aggregate classification (germline): Conflicting classifications of pathogenicity. Review status: criteria provided, conflicting classifications (1 of 4 stars). 4 submissions from 4 submitters: Likely pathogenic (1); Uncertain significance (3). Last evaluated 2024-10-25.

Conditions:
Long QT syndrome 8. Identifiers: MedGen CN260585, MONDO:0032756, OMIM 618447.
Cerebral palsy. Identifiers: MedGen C0007789, MONDO:0006497, HP:0100021.
Long QT syndrome (LQTS). Identifiers: MedGen C0023976, MeSH D008133, MONDO:0002442. Disease mechanism: loss of function. Inheritance: Various modes of inheritance.

Allele frequency attached by ClinVar (database versions not stated): gnomAD exomes 0.00001.
gnomAD v4.1: 5 of 1,613,428 alleles (0.00031%); highest among the groups gnomAD compares: Non-Finnish European, 0.00034%; no homozygotes.

Submissions (4):

Blueprint Genetics
Classification: Uncertain significance. Last evaluated: 2024-10-25. Review status: criteria provided, single submitter. Criteria: ACMG Guidelines, 2015. Collection method: clinical testing. Allele origin: germline.

Labcorp Genetics (formerly Invitae), Labcorp
Classification: Uncertain significance for Long QT syndrome. Last evaluated: 2024-10-17. Review status: criteria provided, single submitter. Criteria: Invitae Variant Classification Sherloc (09022015). Collection method: clinical testing. Allele origin: germline.
Comment: This sequence change replaces valine, which is neutral and non-polar, with leucine, which is neutral and non-polar, at codon 1190 of the CACNA1C protein (p.Val1190Leu). This variant is present in population databases (no rsID available, gnomAD 0.004%). This variant has not been reported in the literature in individuals affected with CACNA1C-related conditions. ClinVar contains an entry for this variant (Variation ID: 836422). Invitae Evidence Modeling of protein sequence and biophysical properties (such as structural, functional, and spatial information, amino acid conservation, physicochemical variation, residue mobility, and thermodynamic stability) has been performed for this missense variant. However, the output from this modeling did not meet the statistical confidence thresholds required to predict the impact of this variant on CACNA1C protein function. In summary, the available evidence is currently insufficient to determine the role of this variant in disease. Therefore, it has been classified as a Variant of Uncertain Significance.

KardioGenetik, Herz- und Diabeteszentrum NRW
Classification: Uncertain significance for Long QT syndrome 8. Last evaluated: 2024-08-27. Review status: criteria provided, single submitter. Criteria: ACMG Guidelines, 2015. Collection method: clinical testing. Allele origin: unknown. Affected: yes. Observed: 1 variant allele.
Comment: PP3, PP2, PM2

Neurogenetics Research Program, University of Adelaide
Classification: Likely pathogenic for Cerebral palsy. Last evaluated: 2021-06-10. Review status: criteria provided, single submitter. Criteria: ACMG Guidelines, 2015. Collection method: research. Allele origin: unknown. Affected: yes. Observed: 1 variant allele.
Comment: Also carries additional variant interpreted as likely pathogenic CLCN2: NM_001171088.3: c.1598G>A: p.R533Q

NM_000719.7(CACNA1C):c.3568G>T (p.Val1190Leu)

Gene: CACNA1C (calcium voltage-gated channel subunit alpha1 C; plus strand). Cytogenetic location: 12p13.33.
Variant type: single nucleotide variant.
Coding change: c.3568G>T on transcript NM_000719.7 (MANE Select); coding-DNA position 3568, G replaced by T.
Protein change: p.Val1190Leu; replaces valine 1190 with leucine.
Molecular consequence: missense variant.
Genome position (GRCh38, 1-based): chr12:2,610,550, G>T. VCF-style: chr12-2610550-G-T. GRCh37 (hg19) VCF-style: chr12-2719716-G-T.
Other names: c.3628G>T, p.Val1210Leu (NM_001129827.2, NM_001129832.2, NM_199460.4); c.3568G>T, p.Val1190Leu (NM_001129829.2, NM_001129830.3, NM_001129831.2 and 15 more transcripts); c.3559G>T, p.Val1187Leu (NM_001129844.2); short protein forms V1187L, V1190L, V1210L.
Identifiers: ClinVar variation 836422 (VCV000836422.14), dbSNP rs1048241141, ClinGen allele CA383376542.